The following is an entry in ClinVar:

NM_032444.4(SLX4):c.1367-44G>T

Gene: SLX4 (SLX4 structure-specific endonuclease subunit; minus strand). Cytogenetic location: 16p13.3.
Variant type: single nucleotide variant.
Coding change: c.1367-44G>T on transcript NM_032444.4 (MANE Select); 44 bases into the intron before coding-DNA position 1367, G replaced by T.
Molecular consequence: intron variant.
Genome position (GRCh38, 1-based): chr16:3,597,739, C>A on the plus strand (G>T on the coding strand, the complement: SLX4 is on the minus strand). VCF-style: chr16-3597739-C-A. GRCh37 (hg19) VCF-style: chr16-3647740-C-A.
Identifiers: ClinVar variation 929602 (VCV000929602.1), dbSNP rs185962726, ClinGen allele CA7866544.

ClinVar aggregate classification (germline): Likely benign (0 of 4 stars; one submission).

Allele frequency attached by ClinVar (database versions not stated): TOPMed 0.00006; gnomAD exomes 0.00010 and 0.00012; gnomAD 0.00011; ExAC 0.00014; 1000 Genomes Project 30x 0.00016; 1000 Genomes Project 0.00020.
gnomAD v4.1: 156 of 1,614,036 alleles (0.0097%); highest among the groups gnomAD compares: Non-Finnish European, 0.012%; no homozygotes.

Submission:

Leiden Open Variation Database
Classification: Likely benign. Last evaluated: 2012-08-31. Review status: no assertion criteria provided. Collection method: curation. Allele origin: germline. Affected: yes.
Comment: Curator: Arleen D. Auerbach. Submitter to LOVD: Janine Bakker.

Literature cited by the submitters: PubMed 22911665.